The following is an entry in ClinVar:

ClinVar aggregate classification (germline): Uncertain significance. Review status: criteria provided, multiple submitters, no conflicts (2 of 4 stars). 2 submissions from 2 submitters: Uncertain significance (2). Last evaluated 2024-05-30.

Conditions:
Bethlem myopathy 1A. Also called: Bethlem Muscular Dystrophy; MYOPATHY, BENIGN CONGENITAL, WITH CONTRACTURES; Bethlem myopathy 1. Identifiers: Orphanet 610, MedGen CN029274, MONDO:0024530, OMIM 158810.
Inborn genetic diseases. Identifiers: MedGen C0950123, MeSH D030342.

Submissions (2):

Ambry Genetics
Classification: Uncertain significance for Inborn genetic diseases. Last evaluated: 2024-05-30. Review status: criteria provided, single submitter. Criteria: Ambry Variant Classification Scheme 2023. Collection method: clinical testing. Allele origin: germline.

Labcorp Genetics (formerly Invitae), Labcorp
Classification: Uncertain significance for Bethlem myopathy 1A. Last evaluated: 2022-11-08. Review status: criteria provided, single submitter. Criteria: Invitae Variant Classification Sherloc (09022015). Collection method: clinical testing. Allele origin: germline.
Comment: This variant is not present in population databases (gnomAD no frequency). This sequence change replaces leucine, which is neutral and non-polar, with valine, which is neutral and non-polar, at codon 900 of the COL6A3 protein (p.Leu900Val). This variant has not been reported in the literature in individuals affected with COL6A3-related conditions. In summary, the available evidence is currently insufficient to determine the role of this variant in disease. Therefore, it has been classified as a Variant of Uncertain Significance. Advanced modeling of protein sequence and biophysical properties (such as structural, functional, and spatial information, amino acid conservation, physicochemical variation, residue mobility, and thermodynamic stability) performed at Invitae indicates that this missense variant is not expected to disrupt COL6A3 protein function. ClinVar contains an entry for this variant (Variation ID: 938746).

NM_004369.4(COL6A3):c.2698C>G (p.Leu900Val)

Gene: COL6A3 (collagen type VI alpha 3 chain; minus strand). Cytogenetic location: 2q37.3.
Variant type: single nucleotide variant.
Coding change: c.2698C>G on transcript NM_004369.4 (MANE Select); coding-DNA position 2698, C replaced by G.
Protein change: p.Leu900Val; replaces leucine 900 with valine.
Molecular consequence: missense variant.
Genome position (GRCh38, 1-based): chr2:237,377,144, G>C on the plus strand (C>G on the coding strand, the complement: COL6A3 is on the minus strand). VCF-style: chr2-237377144-G-C. GRCh37 (hg19) VCF-style: chr2-238285787-G-C.
Other names: c.1477C>G, p.Leu493Val (NM_057164.5); c.2080C>G, p.Leu694Val (NM_057165.5, NM_057167.4); c.877C>G, p.Leu293Val (NM_057166.5); short protein forms L493V, L293V, L694V, L900V.
Identifiers: ClinVar variation 938746 (VCV000938746.11), dbSNP rs2077868769, ClinGen allele CA351210913.